The following is an entry in ClinVar:

ClinVar aggregate classification (germline): Uncertain significance (1 of 4 stars; one submission).

Conditions:
Nephronophthisis 15 (NPHP15). Identifiers: Orphanet 3156, MedGen C3541853, MONDO:0013917, OMIM 614845.

Submission:

Labcorp Genetics (formerly Invitae), Labcorp
Classification: Uncertain significance for Nephronophthisis 15. Last evaluated: 2022-07-17. Review status: criteria provided, single submitter. Criteria: Invitae Variant Classification Sherloc (09022015). Collection method: clinical testing. Allele origin: germline.
Comment: This variant has not been reported in the literature in individuals affected with CEP164-related conditions. This variant is not present in population databases (gnomAD no frequency). This sequence change replaces lysine, which is basic and polar, with methionine, which is neutral and non-polar, at codon 1114 of the CEP164 protein (p.Lys1114Met). Algorithms developed to predict the effect of missense changes on protein structure and function are either unavailable or do not agree on the potential impact of this missense change (SIFT: "Deleterious"; PolyPhen-2: "Probably Damaging"; Align-GVGD: "Class C0"). In summary, the available evidence is currently insufficient to determine the role of this variant in disease. Therefore, it has been classified as a Variant of Uncertain Significance.

NM_014956.5(CEP164):c.3341A>T (p.Lys1114Met)

Gene: CEP164 (centrosomal protein 164; plus strand). Cytogenetic location: 11q23.3.
Variant type: single nucleotide variant.
Coding change: c.3341A>T on transcript NM_014956.5 (MANE Select); coding-DNA position 3341, A replaced by T.
Protein change: p.Lys1114Met; replaces lysine 1114 with methionine.
Molecular consequence: missense variant.
Genome position (GRCh38, 1-based): chr11:117,397,153, A>T. VCF-style: chr11-117397153-A-T. GRCh37 (hg19) VCF-style: chr11-117267869-A-T.
Other names: c.3350A>T, p.Lys1117Met (NM_001271933.2); short protein forms K1117M, K1114M.
Identifiers: ClinVar variation 1899852 (VCV001899852.5), dbSNP rs2542233404, ClinGen allele CA382735554.